The following is an entry in ClinVar:

ClinVar aggregate classification (germline): Uncertain significance. Review status: criteria provided, multiple submitters, no conflicts (2 of 4 stars). 2 submissions from 2 submitters: Uncertain significance (2). Last evaluated 2025-10-15.

Conditions:
Inborn genetic diseases. Identifiers: MedGen C0950123, MeSH D030342.

Allele frequency attached by ClinVar (database versions not stated): gnomAD exomes 0.00020 and 0.00013; 1000 Genomes Project 0.00040; gnomAD 0.00011 and 0.00012; TOPMed 0.00015; ExAC 0.00016; ESP Exome Variant Server 0.00023; 1000 Genomes Project 30x 0.00031.
gnomAD v4.1: 305 of 1,614,262 alleles (0.019%); highest among the groups gnomAD compares: Non-Finnish European, 0.025%; no homozygotes.

Submissions (2):

Ambry Genetics
Classification: Uncertain significance for Inborn genetic diseases. Last evaluated: 2025-10-15. Review status: criteria provided, single submitter. Criteria: Ambry Variant Classification Scheme 2023. Collection method: clinical testing. Allele origin: germline.

Labcorp Genetics (formerly Invitae), Labcorp
Classification: Uncertain significance. Last evaluated: 2022-10-17. Review status: criteria provided, single submitter. Criteria: Invitae Variant Classification Sherloc (09022015). Collection method: clinical testing. Allele origin: germline.
Comment: This sequence change replaces asparagine, which is neutral and polar, with serine, which is neutral and polar, at codon 226 of the AIMP2 protein (p.Asn226Ser). This variant is present in population databases (rs139398981, gnomAD 0.02%). This variant has not been reported in the literature in individuals affected with AIMP2-related conditions. ClinVar contains an entry for this variant (Variation ID: 1416260). Algorithms developed to predict the effect of missense changes on protein structure and function output the following: SIFT: "Tolerated"; PolyPhen-2: "Benign"; Align-GVGD: "Class C0". The serine amino acid residue is found in multiple mammalian species, which suggests that this missense change does not adversely affect protein function. In summary, the available evidence is currently insufficient to determine the role of this variant in disease. Therefore, it has been classified as a Variant of Uncertain Significance.

NM_006303.4(AIMP2):c.677A>G (p.Asn226Ser)

Genes: AIMP2 (aminoacyl tRNA synthetase complex interacting multifunctional protein 2; plus strand), EIF2AK1 (eukaryotic translation initiation factor 2 alpha kinase 1; minus strand). Cytogenetic location: 7p22.1.
Variant type: single nucleotide variant.
Coding change: c.677A>G on transcript NM_006303.4 (MANE Select); coding-DNA position 677, A replaced by G.
Protein change: p.Asn226Ser; replaces asparagine 226 with serine.
Molecular consequence: missense variant. On other transcripts: 3 prime UTR variant (2).
Genome position (GRCh38, 1-based): chr7:6,023,405, A>G. VCF-style: chr7-6023405-A-G. GRCh37 (hg19) VCF-style: chr7-6063036-A-G.
Other names: c.443A>G, p.Asn148Ser (NM_001326610.2, NM_001326611.3, NM_001326609.2); c.590A>G, p.Asn197Ser (NM_001362785.2); c.545A>G, p.Asn182Ser (NM_001362787.2); c.*1268T>C (NM_001134335.2, NM_014413.4); c.557A>G, p.Asn186Ser (NM_001326606.2); c.470A>G, p.Asn157Ser (NM_001326607.2); short protein forms N157S, N186S, N197S, N226S, N182S, N148S.
Identifiers: ClinVar variation 1416260 (VCV001416260.5), dbSNP rs139398981, ClinGen allele CA4150448.